The following is an entry in ClinVar:

NM_024596.5(MCPH1):c.433C>T (p.Leu145=)

Gene: MCPH1 (microcephalin 1; plus strand). Cytogenetic location: 8p23.1.
Variant type: single nucleotide variant.
Coding change: c.433C>T on transcript NM_024596.5 (MANE Select); coding-DNA position 433, C replaced by T.
Protein change: p.Leu145=; no amino-acid change (leucine 145 retained).
Molecular consequence: synonymous variant.
Genome position (GRCh38, 1-based): chr8:6,436,159, C>T. VCF-style: chr8-6436159-C-T. GRCh37 (hg19) VCF-style: chr8-6293680-C-T.
Other names: c.433C>T (NM_001322042.1); c.433C>T, p.Leu145= (NM_001172574.2, NM_001172575.2, NM_001322042.2 and 2 more transcripts); c.427C>T, p.Leu143= (NM_001322043.2); c.331C>T, p.Leu111= (NM_001322045.2).
Identifiers: ClinVar variation 167285 (VCV000167285.52), dbSNP rs139607465, ClinGen allele CA234257.
Genomic context (GRCh38, chr8:6,436,159, plus strand): 5'-AAGAGATTTCAGAAGAAATTTGAGAAAATGGCTAAAGAGCTACAAAGGCAAAAAACAAAT[C>T]TAGGTAAGCTAAGAAATATAATACAGTTCTTTGCATTTGTGTCCATACACCTTGTTTAAT-3'
Protein context (NP_078872.3, residues 135-155): AKELQRQKTN[Leu145=]DDDVPILLFE

ClinVar aggregate classification (germline): Conflicting classifications of pathogenicity. Review status: criteria provided, conflicting classifications (1 of 4 stars). 9 submissions from 9 submitters: Uncertain significance (2); Likely benign (6). 1 of the submissions does not count toward it. Last evaluated 2026-04-01.

Conditions:
MCPH1-related disorder. Also called: MCPH1-related condition.
Microcephaly 1, primary, autosomal recessive (MCPH1). Also called: PREMATURE CHROMOSOME CONDENSATION SYNDROME; PCC SYNDROME; PREMATURE CHROMOSOME CONDENSATION WITH MICROCEPHALY AND MENTAL RETARDATION. Identifiers: Orphanet 2512, MedGen C1855081, MONDO:0009617, OMIM 251200.

Allele frequency attached by ClinVar (database versions not stated): 1000 Genomes Project 0.00060; 1000 Genomes Project 30x 0.00062; TOPMed 0.00165; ESP Exome Variant Server 0.00230.

Submissions (9):

CeGaT Center for Human Genetics Tuebingen
Classification: Likely benign. Last evaluated: 2026-04-01. Review status: criteria provided, single submitter. Criteria: CeGaT Center For Human Genetics Tuebingen Variant Classification Criteria Version 2. Collection method: clinical testing. Allele origin: germline. Affected: yes. Observed: 7 variant alleles.
Comment: MCPH1: BP4, BP7

Labcorp Genetics (formerly Invitae), Labcorp
Classification: Likely benign. Last evaluated: 2026-02-04. Review status: criteria provided, single submitter. Criteria: Invitae Variant Classification Sherloc (09022015). Collection method: clinical testing. Allele origin: germline.

Blueprint Genetics
Classification: Likely benign. Last evaluated: 2024-11-23. Review status: criteria provided, single submitter. Criteria: ACMG Guidelines, 2015. Collection method: clinical testing. Allele origin: germline.

Athena Diagnostics
Classification: Likely benign. Last evaluated: 2024-10-16. Review status: criteria provided, single submitter. Criteria: Athena Diagnostics Criteria. Collection method: clinical testing. Allele origin: unknown.

GeneDx
Classification: Likely benign. Last evaluated: 2020-10-01. Review status: criteria provided, single submitter. Criteria: GeneDx Variant Classification Process June 2021. Collection method: clinical testing. Allele origin: germline. Affected: yes.

Illumina Laboratory Services, Illumina
Classification: Uncertain significance for Microcephaly 1, primary, autosomal recessive. Last evaluated: 2018-01-12. Review status: criteria provided, single submitter. Criteria: ICSL Variant Classification Criteria 13 December 2019. Collection method: clinical testing. Allele origin: germline.

Eurofins Ntd Llc (ga)
Classification: Uncertain significance. Last evaluated: 2017-03-29. Review status: criteria provided, single submitter. Criteria: EGL Classification Definitions 2015. Collection method: clinical testing. Allele origin: germline. Observed: 6 variant alleles, 6 heterozygotes.

Genetic Services Laboratory, University of Chicago
Classification: Likely benign. Last evaluated: 2016-07-01. Review status: criteria provided, single submitter. Criteria: ACMG Guidelines, 2015. Collection method: clinical testing. Allele origin: germline. Affected: no.

PreventionGenetics, part of Exact Sciences
Classification: Likely benign for MCPH1-related condition. Last evaluated: 2019-03-14. Review status: no assertion criteria provided. Collection method: clinical testing. Allele origin: germline. Not counted in ClinVar's aggregate classification.
Comment: This variant is classified as likely benign based on ACMG/AMP sequence variant interpretation guidelines (Richards et al. 2015 PMID: 25741868, with internal and published modifications).